The following is an entry in ClinVar:

NM_006306.4(SMC1A):c.3196C>T (p.Arg1066Cys)

Gene: SMC1A (structural maintenance of chromosomes 1A; minus strand). Cytogenetic location: Xp11.22.
Variant type: single nucleotide variant.
Coding change: c.3196C>T on transcript NM_006306.4 (MANE Select); coding-DNA position 3196, C replaced by T.
Protein change: p.Arg1066Cys; replaces arginine 1066 with cysteine.
Molecular consequence: missense variant.
Genome position (GRCh38, 1-based): chrX:53,382,595, G>A on the plus strand (C>T on the coding strand, the complement: SMC1A is on the minus strand). VCF-style: chrX-53382595-G-A. GRCh37 (hg19) VCF-style: chrX-53409516-G-A.
Other names: c.3130C>T, p.Arg1044Cys (NM_001281463.1); short protein forms R1044C, R1066C.
Identifiers: ClinVar variation 208703 (VCV000208703.9), dbSNP rs797044896, ClinGen allele CA204718.

ClinVar aggregate classification (germline): Pathogenic/Likely pathogenic. Review status: criteria provided, multiple submitters, no conflicts (2 of 4 stars). 3 submissions from 3 submitters: Pathogenic (2); Likely pathogenic (1). Last evaluated 2025-03-15.

Conditions:
Inborn genetic diseases. Identifiers: MedGen C0950123, MeSH D030342.
Congenital muscular hypertrophy-cerebral syndrome (CDLS2). Also called: SMC1A-Related Cornelia de Lange Syndrome; Cornelia de Lange syndrome 2. Identifiers: Orphanet 199, MedGen C1802395, MONDO:0010370, OMIM 300590.

Submissions (3):

Dasa
Classification: Likely pathogenic for Cornelia de Lange syndrome 2. Last evaluated: 2025-03-15. Review status: criteria provided, single submitter. Criteria: DASA Assertion Criteria. Collection method: clinical testing. Allele origin: germline.
Comment: NM_006306.4(SMC1A):c.3196C>T (p.Arg1066Cys) is a missense variant that results in the substitution of arginine with cysteine. The affected residue or protein region has prior evidence supporting clinical relevance. This variant has been reported in individuals with SMC1A-related disorders (PMID: 25356970). This variant has been reported as a de novo occurrence in an affected individual (PMID: 25356970). Also, this variant is absent from population databases. Computational evidence supports a deleterious effect. Based on the currently available evidence, this variant is classified as likely pathogenic.

Labcorp Genetics (formerly Invitae), Labcorp
Classification: Pathogenic for Congenital muscular hypertrophy-cerebral syndrome. Last evaluated: 2023-09-30. Review status: criteria provided, single submitter. Criteria: Invitae Variant Classification Sherloc (09022015). Collection method: clinical testing. Allele origin: germline.
Comment: This sequence change replaces arginine, which is basic and polar, with cysteine, which is neutral and slightly polar, at codon 1066 of the SMC1A protein (p.Arg1066Cys). This variant is not present in population databases (gnomAD no frequency). This missense change has been observed in individual(s) with clinical features of SMC1A-related conditions (PMID: 25356970). In at least one individual the variant was observed to be de novo. ClinVar contains an entry for this variant (Variation ID: 208703). Advanced modeling of protein sequence and biophysical properties (such as structural, functional, and spatial information, amino acid conservation, physicochemical variation, residue mobility, and thermodynamic stability) performed at Invitae indicates that this missense variant is expected to disrupt SMC1A protein function. This variant disrupts the p.Arg1066 amino acid residue in SMC1A. Other variant(s) that disrupt this residue have been determined to be pathogenic (Invitae). This suggests that this residue is clinically significant, and that variants that disrupt this residue are likely to be disease-causing. For these reasons, this variant has been classified as Pathogenic.

Ambry Genetics
Classification: Pathogenic for Inborn genetic diseases. Last evaluated: 2013-07-30. Review status: criteria provided, single submitter. Criteria: Ambry Autosomal Dominant and X-Linked criteria (10/2015). Collection method: clinical testing. Allele origin: germline. Observed: 1 variant allele.
Comment: Ã¢â‚¬â€¹The c.3196C>T (p.R1066C) alteration is located in coding exon 21 of the SMC1A gene. This alteration results from a C to T substitution at nucleotide position 3196. The arginine at codon 1066 is replaced by cysteine, an amino acid with highly dissimilar properties. The missense change is not observed in healthy cohorts:Based on data from the NHLBI Exome Sequencing Project (ESP), the SMC1A c.3196C>T (p.R1066C) alteration was not observed among 6,503 individuals tested (0.0%). Allele frequency data for this nucleotide position is not currently available from the 1000 Genomes Project and the alteration is not currently listed in the Database of Single Nucleotide Polymorphisms (dbSNP).The altered amino acid is conserved throughout evolution:The R1066 amino acid is conserved throughout vertebrates. The alteration is predicted deleterious by in silico models:The p.R1066C alteration is predicted to be probably damaging by Polyphen and deleterious by SIFT in silico analyses. Based on the available evidence, theSMC1Ac.3196C>T (p.R1066C) alteration is classified as a pathogenic mutation.

Literature cited by the submitters: PubMed 25356970 (cited by Dasa and Labcorp Genetics (formerly Invitae), Labcorp).